The following is an entry in ClinVar:

NM_006063.3(KLHL41):c.1757G>A (p.Arg586His)

Gene: KLHL41 (kelch like family member 41; plus strand). Cytogenetic location: 2q31.1.
Variant type: single nucleotide variant.
Coding change: c.1757G>A on transcript NM_006063.3 (MANE Select); coding-DNA position 1757, G replaced by A.
Protein change: p.Arg586His; replaces arginine 586 with histidine.
Molecular consequence: missense variant.
Genome position (GRCh38, 1-based): chr2:169,525,632, G>A. VCF-style: chr2-169525632-G-A. GRCh37 (hg19) VCF-style: chr2-170382142-G-A.
Other names: short protein forms R586H.
Identifiers: ClinVar variation 934954 (VCV000934954.9), dbSNP rs762482219, ClinGen allele CA1956757.

ClinVar aggregate classification (germline): Uncertain significance. Review status: criteria provided, multiple submitters, no conflicts (2 of 4 stars). 2 submissions from 2 submitters: Uncertain significance (2). Last evaluated 2024-09-04.

Conditions:
Nemaline myopathy 9 (NEM9). Identifiers: MedGen C3810384, MONDO:0014326, OMIM 615731.
Inborn genetic diseases. Identifiers: MedGen C0950123, MeSH D030342.

Allele frequency attached by ClinVar (database versions not stated): ExAC 0.00002; gnomAD 0.00006; TOPMed 0.00006.
gnomAD v4.1: 47 of 1,613,430 alleles (0.0029%); highest among the groups gnomAD compares: South Asian, 0.027%; no homozygotes.

Submissions (2):

Ambry Genetics
Classification: Uncertain significance for Inborn genetic diseases. Last evaluated: 2024-09-04. Review status: criteria provided, single submitter. Criteria: Ambry Variant Classification Scheme 2023. Collection method: clinical testing. Allele origin: germline.

Labcorp Genetics (formerly Invitae), Labcorp
Classification: Uncertain significance for Nemaline myopathy 9. Last evaluated: 2022-08-23. Review status: criteria provided, single submitter. Criteria: Invitae Variant Classification Sherloc (09022015). Collection method: clinical testing. Allele origin: germline.
Comment: This sequence change replaces arginine, which is basic and polar, with histidine, which is basic and polar, at codon 586 of the KLHL41 protein (p.Arg586His). This variant is present in population databases (rs762482219, gnomAD 0.01%). This variant has not been reported in the literature in individuals affected with KLHL41-related conditions. ClinVar contains an entry for this variant (Variation ID: 934954). Algorithms developed to predict the effect of missense changes on protein structure and function (SIFT, PolyPhen-2, Align-GVGD) all suggest that this variant is likely to be disruptive. In summary, the available evidence is currently insufficient to determine the role of this variant in disease. Therefore, it has been classified as a Variant of Uncertain Significance.